The following is an entry in ClinVar:

ClinVar aggregate classification (germline): Benign/Likely benign. Review status: criteria provided, multiple submitters, no conflicts (2 of 4 stars). 4 submissions from 4 submitters: Benign (2); Likely benign (1). 1 of the submissions does not count toward it. Last evaluated 2026-01-12.

Conditions:
TH-deficient dopa-responsive dystonia. Also called: Segawa syndrome, autosomal recessive; Tyrosine Hydroxylase-Deficient Dopa-Responsive Dystonia; DYT-TH. Identifiers: Orphanet 101150, MedGen C2673535, MONDO:0011551, OMIM 605407.

Allele frequency attached by ClinVar (database versions not stated): gnomAD 0.00009 and 0.00013; gnomAD exomes 0.00011 and 0.00022; TOPMed 0.00015; ExAC 0.00024; 1000 Genomes Project 30x 0.00031; 1000 Genomes Project 0.00040.

Submissions (4):

Labcorp Genetics (formerly Invitae), Labcorp
Classification: Benign for TH-deficient dopa-responsive dystonia. Last evaluated: 2026-01-12. Review status: criteria provided, single submitter. Criteria: Invitae Variant Classification Sherloc (09022015). Collection method: clinical testing. Allele origin: germline.

CeGaT Center for Human Genetics Tuebingen
Classification: Likely benign. Last evaluated: 2025-08-01. Review status: criteria provided, single submitter. Criteria: CeGaT Center For Human Genetics Tuebingen Variant Classification Criteria Version 2. Collection method: clinical testing. Allele origin: germline. Affected: yes. Observed: 1 variant allele.
Comment: TH: BP4, BP7

Genome-Nilou Lab
Classification: Benign for TH-deficient dopa-responsive dystonia. Last evaluated: 2021-07-22. Review status: criteria provided, single submitter. Criteria: ACMG Guidelines, 2015. Collection method: clinical testing. Allele origin: germline. Affected: no.

Natera, Inc.
Classification: Likely benign for Autosomal recessive Segawa syndrome. Last evaluated: 2019-10-24. Review status: no assertion criteria provided. Collection method: clinical testing. Allele origin: germline. Not counted in ClinVar's aggregate classification.

NM_000360.4(TH):c.51C>T (p.Ala17=)

Gene: TH (tyrosine hydroxylase; minus strand). Cytogenetic location: 11p15.5.
Variant type: single nucleotide variant.
Coding change: c.51C>T on transcript NM_000360.4 (MANE Select); coding-DNA position 51, C replaced by T.
Protein change: p.Ala17=; no amino-acid change (alanine 17 retained).
Molecular consequence: synonymous variant.
Genome position (GRCh38, 1-based): chr11:2,171,736, G>A on the plus strand (C>T on the coding strand, the complement: TH is on the minus strand). VCF-style: chr11-2171736-G-A. GRCh37 (hg19) VCF-style: chr11-2192966-G-A.
Other names: c.51C>T, p.Ala17= (NM_199292.3, NM_199293.3).
Identifiers: ClinVar variation 698378 (VCV000698378.26), dbSNP rs199645400, ClinGen allele CA5818877.